The following is an entry in ClinVar:

ClinVar aggregate classification (germline): Uncertain significance (1 of 4 stars; one submission).

Conditions:
Hereditary cancer-predisposing syndrome. Also called: Tumor predisposition; Neoplastic Syndromes, Hereditary; Hereditary neoplastic syndrome; Hereditary Cancer Syndrome. Identifiers: Orphanet 140162, MedGen C0027672, MeSH D009386, MONDO:0015356.

Submission:

Ambry Genetics
Classification: Uncertain significance for Hereditary cancer-predisposing syndrome. Last evaluated: 2024-11-14. Review status: criteria provided, single submitter. Criteria: Ambry Variant Classification Scheme 2023. Collection method: clinical testing. Allele origin: germline.
Comment: The p.V164A variant (also known as c.491T>C), located in coding exon 5 of the TSC2 gene, results from a T to C substitution at nucleotide position 491. The valine at codon 164 is replaced by alanine, an amino acid with similar properties. This amino acid position is highly conserved in available vertebrate species. In addition, the in silico prediction for this alteration is inconclusive. Based on the available evidence, the clinical significance of this variant remains unclear.

NM_000548.5(TSC2):c.491T>C (p.Val164Ala)

Gene: TSC2 (TSC complex subunit 2; plus strand). Cytogenetic location: 16p13.3.
Variant type: single nucleotide variant.
Coding change: c.491T>C on transcript NM_000548.5 (MANE Select); coding-DNA position 491, T replaced by C.
Protein change: p.Val164Ala; replaces valine 164 with alanine.
Molecular consequence: missense variant. On other transcripts: 5 prime UTR variant (13), non-coding transcript variant (5), intron variant (7).
Genome position (GRCh38, 1-based): chr16:2,055,411, T>C. VCF-style: chr16-2055411-T-C. GRCh37 (hg19) VCF-style: chr16-2105412-T-C.
Other names: c.491T>C, p.Val164Ala (NM_001077183.3, NM_001114382.3, NM_001363528.2 and 8 more transcripts); c.380T>C, p.Val127Ala (NM_001318827.2, NM_001406670.1, NM_001406678.1); c.344T>C, p.Val115Ala (NM_001318829.2, NM_001406675.1, NM_001406676.1 and 1 more transcripts); c.524T>C, p.Val175Ala (NM_001318832.2); c.581T>C, p.Val194Ala (NM_001406667.1, NM_001406668.1); c.434T>C, p.Val145Ala (NM_001406677.1); c.-326T>C (NM_001406680.1, NM_001406683.1, NM_001406687.1); c.-941T>C (NM_001406689.1, NM_001406690.1, NM_001406691.1 and 2 more transcripts); and 6 more; short protein forms V175A, V115A, V127A, V164A, V145A, V194A.
Identifiers: ClinVar variation 3462657 (VCV003462657.1).